The following is an entry in ClinVar:

ClinVar aggregate classification (germline): Uncertain significance (1 of 4 stars; one submission).

Conditions:
Combined immunodeficiency due to STIM1 deficiency. Also called: IMMUNODEFICIENCY 10; STIM1 DEFICIENCY. Identifiers: Orphanet 169090, Orphanet 317430, MedGen C2748557, MONDO:0013008, OMIM 612783.
Stormorken syndrome (STRMK). Also called: THROMBOCYTOPATHY, ASPLENIA, AND MIOSIS. Identifiers: Orphanet 3204, MedGen C1861451, MONDO:0008497, OMIM 185070.
Myopathy with tubular aggregates (TAM). Also called: Tubular Aggregate Myopathy. Identifiers: Orphanet 2593, MedGen C0410207, MONDO:0008051.

Allele frequency attached by ClinVar (database versions not stated): ExAC 0.00002; gnomAD exomes 0.00001 and 0.00002; gnomAD 0.00003 and 0.00004; TOPMed 0.00008.

Submission:

Labcorp Genetics (formerly Invitae), Labcorp
Classification: Uncertain significance for Myopathy with tubular aggregates; Combined immunodeficiency due to STIM1 deficiency; Stormorken syndrome. Last evaluated: 2025-10-29. Review status: criteria provided, single submitter. Criteria: Invitae Variant Classification Sherloc (09022015). Collection method: clinical testing. Allele origin: germline.
Comment: This sequence change replaces arginine, which is basic and polar, with glutamine, which is neutral and polar, at codon 558 of the STIM1 protein (p.Arg558Gln). This variant is present in population databases (rs199503470, gnomAD 0.003%). This variant has not been reported in the literature in individuals affected with STIM1-related conditions. ClinVar contains an entry for this variant (Variation ID: 1061867). Invitae Evidence Modeling of protein sequence and biophysical properties (such as structural, functional, and spatial information, amino acid conservation, physicochemical variation, residue mobility, and thermodynamic stability) indicates that this missense variant is not expected to disrupt STIM1 protein function with a negative predictive value of 95%. In summary, the available evidence is currently insufficient to determine the role of this variant in disease. Therefore, it has been classified as a Variant of Uncertain Significance.

NM_001382567.1(STIM1):c.1766G>A (p.Arg589Gln)

Gene: STIM1 (stromal interaction molecule 1; plus strand). Cytogenetic location: 11p15.4.
Variant type: single nucleotide variant.
Coding change: c.1766G>A on transcript NM_001382567.1 (MANE Select); coding-DNA position 1766, G replaced by A.
Protein change: p.Arg589Gln; replaces arginine 589 with glutamine.
Molecular consequence: missense variant. On other transcripts: 3 prime UTR variant (4), non-coding transcript variant (3).
Genome position (GRCh38, 1-based): chr11:4,091,413, G>A. VCF-style: chr11-4091413-G-A. GRCh37 (hg19) VCF-style: chr11-4112643-G-A.
Other names: c.1991G>A, p.Arg664Gln (NM_001277961.3); c.*87G>A (NM_001277962.2, NM_001382578.1, NM_001382579.1 and 1 more transcripts); c.1769G>A, p.Arg590Gln (NM_001382566.1); c.1694G>A, p.Arg565Gln (NM_001382568.1); c.1538G>A, p.Arg513Gln (NM_001382569.1); c.1445G>A, p.Arg482Gln (NM_001382570.1); c.1193G>A, p.Arg398Gln (NM_001382571.1); c.1451G>A, p.Arg484Gln (NM_001382575.1, NM_001382576.1, NM_001382577.1); and 2 more; short protein forms R395Q, R398Q, R482Q, R484Q, R513Q, R558Q, R565Q, R589Q.
Identifiers: ClinVar variation 1061867 (VCV001061867.9), dbSNP rs199503470, ClinGen allele CA5830609.